The following is an entry in ClinVar:

NM_004260.4(RECQL4):c.2201-8C>T

Gene: RECQL4 (RecQ like helicase 4; minus strand). Cytogenetic location: 8q24.3.
Variant type: single nucleotide variant.
Coding change: c.2201-8C>T on transcript NM_004260.4 (MANE Select); 8 bases into the intron before coding-DNA position 2201, C replaced by T.
Molecular consequence: intron variant.
Genome position (GRCh38, 1-based): chr8:144,513,488, G>A on the plus strand (C>T on the coding strand, the complement: RECQL4 is on the minus strand). VCF-style: chr8-144513488-G-A. GRCh37 (hg19) VCF-style: chr8-145738872-G-A.
Identifiers: ClinVar variation 239717 (VCV000239717.14), dbSNP rs200942592, ClinGen allele CA4948391.

ClinVar aggregate classification (germline): Likely benign. Review status: criteria provided, multiple submitters, no conflicts (2 of 4 stars). 4 submissions from 4 submitters: Likely benign (3). 1 of the submissions does not count toward it. Last evaluated 2025-11-17.

Conditions:
Hereditary cancer-predisposing syndrome. Also called: Neoplastic Syndromes, Hereditary; Hereditary Cancer Syndrome; Tumor predisposition; Hereditary neoplastic syndrome. Identifiers: Orphanet 140162, MedGen C0027672, MeSH D009386, MONDO:0015356.
Baller-Gerold syndrome (BGS). Also called: CRANIOSYNOSTOSIS WITH RADIAL DEFECTS. Identifiers: Orphanet 1225, MedGen C0265308, MONDO:0009039, OMIM 218600.
RECQL4-related disorder. Also called: RECQL4-related condition; RECQL4-related disorders.

Allele frequency attached by ClinVar (database versions not stated): gnomAD 0.00001; gnomAD exomes 0.00001; TOPMed 0.00001; ExAC 0.00003.
gnomAD v4.1: 29 of 1,610,020 alleles (0.0018%); highest among the groups gnomAD compares: Middle Eastern, 0.049%; 1 homozygote.

Submissions (4):

Labcorp Genetics (formerly Invitae), Labcorp
Classification: Likely benign for Baller-Gerold syndrome. Last evaluated: 2025-11-17. Review status: criteria provided, single submitter. Criteria: Invitae Variant Classification Sherloc (09022015). Collection method: clinical testing. Allele origin: germline.

Blueprint Genetics
Classification: Likely benign. Last evaluated: 2024-05-28. Review status: criteria provided, single submitter. Criteria: ACMG Guidelines, 2015. Collection method: clinical testing. Allele origin: germline.

Sema4
Classification: Likely benign for Hereditary cancer-predisposing syndrome. Last evaluated: 2020-09-08. Review status: criteria provided, single submitter. Criteria: Sema4 Curation Guidelines. Collection method: curation. Allele origin: germline.

PreventionGenetics, part of Exact Sciences
Classification: Likely benign for RECQL4-related condition. Last evaluated: 2024-08-16. Review status: no assertion criteria provided. Collection method: clinical testing. Allele origin: germline. Not counted in ClinVar's aggregate classification.
Comment: This variant is classified as likely benign based on ACMG/AMP sequence variant interpretation guidelines (Richards et al. 2015 PMID: 25741868, with internal and published modifications).